The following is an entry in ClinVar:

NM_020361.5(CPA6):c.518C>G (p.Ser173Cys)

Gene: CPA6 (carboxypeptidase A6; minus strand). Cytogenetic location: 8q13.2.
Variant type: single nucleotide variant.
Coding change: c.518C>G on transcript NM_020361.5 (MANE Select); coding-DNA position 518, C replaced by G.
Protein change: p.Ser173Cys; replaces serine 173 with cysteine.
Molecular consequence: missense variant.
Genome position (GRCh38, 1-based): chr8:67,509,533, G>C on the plus strand (C>G on the coding strand, the complement: CPA6 is on the minus strand). VCF-style: chr8-67509533-G-C. GRCh37 (hg19) VCF-style: chr8-68421768-G-C.
Other names: short protein forms S173C.
Identifiers: ClinVar variation 128846 (VCV000128846.22), dbSNP rs17853192, ClinGen allele CA152501.

ClinVar aggregate classification (germline): Benign. Review status: criteria provided, multiple submitters, no conflicts (2 of 4 stars). 6 submissions from 6 submitters: Benign (5). 1 of the submissions does not count toward it. Last evaluated 2026-01-19.

Conditions:
Febrile seizures, familial, 11 (FEB11). Also called: CONVULSIONS, FAMILIAL FEBRILE, 11. Identifiers: MedGen C3280734, MONDO:0024566, OMIM 614418.
Familial temporal lobe epilepsy 5. Identifiers: MedGen C3280730, MONDO:0013741, OMIM 614417.

Allele frequency attached by ClinVar (database versions not stated): ESP Exome Variant Server 0.05971; gnomAD 0.06550 and 0.06919; 1000 Genomes Project 0.08906; ExAC 0.09439; gnomAD exomes 0.09472 and 0.08237; TOPMed 0.07058; 1000 Genomes Project 30x 0.08526.

Submissions (6):

Labcorp Genetics (formerly Invitae), Labcorp
Classification: Benign for Febrile seizures, familial, 11. Last evaluated: 2026-01-19. Review status: criteria provided, single submitter. Criteria: Invitae Variant Classification Sherloc (09022015). Collection method: clinical testing. Allele origin: germline.

Mayo Clinic Laboratories, Mayo Clinic
Classification: Benign. Last evaluated: 2018-09-05. Review status: criteria provided, single submitter. Criteria: ACMG Guidelines, 2015. Collection method: clinical testing. Allele origin: germline. Observed: 45 variant alleles.

Illumina Laboratory Services, Illumina
Classification: Benign for Familial temporal lobe epilepsy 5. Last evaluated: 2018-01-12. Review status: criteria provided, single submitter. Criteria: ICSL Variant Classification Criteria 13 December 2019. Collection method: clinical testing. Allele origin: germline.
Comment: This variant was observed in the ICSL laboratory as part of a predisposition screen in an ostensibly healthy population. It had not been previously curated by ICSL or reported in the Human Gene Mutation Database (HGMD: prior to June 1st, 2018), and was therefore a candidate for classification through an automated scoring system. Utilizing variant allele frequency, disease prevalence and penetrance estimates, and inheritance mode, an automated score was calculated to assess if this variant is too frequent to cause the disease. Based on the score and internal cut-off values, a variant classified as benign is not then subjected to further curation. The score for this variant resulted in a classification of benign for this disease.

Eurofins Ntd Llc (ga)
Classification: Benign. Last evaluated: 2015-01-07. Review status: criteria provided, single submitter. Criteria: EGL Classification Definitions 2015. Collection method: clinical testing. Allele origin: germline. Observed: 2 variant alleles, 2 heterozygotes.

Breakthrough Genomics
Classification: Benign. Review status: criteria provided, single submitter. Criteria: ACMG Guidelines, 2015. Collection method: not provided. Allele origin: germline. Inheritance: Autosomal recessive inheritance. Affected: yes.

Genetic Services Laboratory, University of Chicago
Classification: Likely benign for AllHighlyPenetrant. Review status: no assertion criteria provided. Collection method: clinical testing. Allele origin: germline. Inheritance: Autosomal recessive inheritance. Not counted in ClinVar's aggregate classification.
Comment: Likely benign based on allele frequency in 1000 Genomes Project or ESP global frequency and its presence in a patient with a rare or unrelated disease phenotype. NOT Sanger confirmed.